The following is an entry in ClinVar:

NM_001371904.1(APOA5):c.332T>A (p.Met111Lys)

Gene: APOA5 (apolipoprotein A5; minus strand). Cytogenetic location: 11q23.3.
Variant type: single nucleotide variant.
Coding change: c.332T>A on transcript NM_001371904.1 (MANE Select); coding-DNA position 332, T replaced by A.
Protein change: p.Met111Lys; replaces methionine 111 with lysine.
Molecular consequence: missense variant.
Genome position (GRCh38, 1-based): chr11:116,790,897, A>T on the plus strand (T>A on the coding strand, the complement: APOA5 is on the minus strand). VCF-style: chr11-116790897-A-T. GRCh37 (hg19) VCF-style: chr11-116661613-A-T.
Other names: c.332T>A, p.Met111Lys (NM_001166598.2, NM_052968.5); short protein forms M111K.
Identifiers: ClinVar variation 2452815 (VCV002452815.2), dbSNP rs1940997009, ClinGen allele CA382739035.
Genomic context (GRCh38, chr11:116,790,897, plus strand): 5'-GGCTTCAGTTGCTGCCGCAAGCCCTCCAAATTCCAGCCCACCAGCTCGTGCGCCTCTGCC[A>T]TGTAGGGCTGGAGGCGAGCCTTCACCTCCTCCAACTCCTCCTGCAGCTGCCGCCGCATGC-3'
Protein context (NP_001358833.1, residues 101-121): EEVKARLQPY[Met111Lys]AEAHELVGWN

ClinVar aggregate classification (germline): Uncertain significance (1 of 4 stars; one submission).

Conditions:
Cardiovascular phenotype. Identifiers: MedGen CN230736.

Allele frequency attached by ClinVar (database versions not stated): gnomAD exomes below 0.00001; TOPMed below 0.00001; gnomAD 0.00001.

Submission:

Ambry Genetics
Classification: Uncertain significance for Cardiovascular phenotype. Last evaluated: 2022-11-07. Review status: criteria provided, single submitter. Criteria: Ambry Variant Classification Scheme 2023. Collection method: clinical testing. Allele origin: germline.
Comment: The p.M111K variant (also known as c.332T>A), located in coding exon 3 of the APOA5 gene, results from a T to A substitution at nucleotide position 332. The methionine at codon 111 is replaced by lysine, an amino acid with similar properties. This amino acid position is conserved. In addition, the in silico prediction for this alteration is inconclusive. Since supporting evidence is limited at this time, the clinical significance of this alteration remains unclear.